The following is an entry in ClinVar:

NM_000718.4(CACNA1B):c.1256C>T (p.Ala419Val)

Gene: CACNA1B (calcium voltage-gated channel subunit alpha1 B; plus strand). Cytogenetic location: 9q34.3.
Variant type: single nucleotide variant.
Coding change: c.1256C>T on transcript NM_000718.4 (MANE Select); coding-DNA position 1256, C replaced by T.
Protein change: p.Ala419Val; replaces alanine 419 with valine.
Molecular consequence: missense variant.
Genome position (GRCh38, 1-based): chr9:137,957,610, C>T. VCF-style: chr9-137957610-C-T. GRCh37 (hg19) VCF-style: chr9-140852062-C-T.
Other names: c.1256C>T, p.Ala419Val (NM_001243812.2); short protein forms A419V.
Identifiers: ClinVar variation 4802243 (VCV004802243.1).

ClinVar aggregate classification (germline): Uncertain significance (1 of 4 stars; one submission).

gnomAD v4.1: 25 of 1,594,214 alleles (0.0016%); highest among the groups gnomAD compares: South Asian, 0.0023%; no homozygotes.

Submission:

Labcorp Genetics (formerly Invitae), Labcorp
Classification: Uncertain significance. Last evaluated: 2026-01-04. Review status: criteria provided, single submitter. Criteria: Invitae Variant Classification Sherloc (09022015). Collection method: clinical testing. Allele origin: germline.
Comment: This sequence change replaces alanine, which is neutral and non-polar, with valine, which is neutral and non-polar, at codon 419 of the CACNA1B protein (p.Ala419Val). The frequency data for this variant in the population databases is considered unreliable, as metrics indicate poor data quality at this position in the gnomAD database. This variant has not been reported in the literature in individuals affected with CACNA1B-related conditions. Invitae Evidence Modeling of protein sequence and biophysical properties (such as structural, functional, and spatial information, amino acid conservation, physicochemical variation, residue mobility, and thermodynamic stability) indicates that this missense variant is not expected to disrupt CACNA1B protein function with a negative predictive value of 80%. In summary, the available evidence is currently insufficient to determine the role of this variant in disease. Therefore, it has been classified as a Variant of Uncertain Significance.